The following is an entry in ClinVar:

NM_020297.4(ABCC9):c.3892+6G>A

Genes: ABCC9 (ATP binding cassette subfamily C member 9; minus strand), KCNJ8-AS1 (KCNJ8 antisense RNA 1; plus strand). Cytogenetic location: 12p12.1.
Variant type: single nucleotide variant.
Coding change: c.3892+6G>A on transcript NM_020297.4 (MANE Select); 6 bases into the intron after coding-DNA position 3892, G replaced by A.
Molecular consequence: intron variant.
Genome position (GRCh38, 1-based): chr12:21,817,181, C>T on the plus strand (G>A on the coding strand, the complement: ABCC9 is on the minus strand). VCF-style: chr12-21817181-C-T. GRCh37 (hg19) VCF-style: chr12-21970115-C-T.
Other names: c.3025+6G>A (NM_001377274.1); c.3892+6G>A (NM_005691.4, NM_001377273.1).
Identifiers: ClinVar variation 1422626 (VCV001422626.6), dbSNP rs1460644839, ClinGen allele CA603677912.

ClinVar aggregate classification (germline): Uncertain significance (1 of 4 stars; one submission).

Conditions:
Dilated cardiomyopathy 1O (CMD1O). Also called: CARDIOMYOPATHY, DILATED, WITH VENTRICULAR TACHYCARDIA. Identifiers: Orphanet 154, MedGen C1837839, MONDO:0012062, OMIM 608569.

Allele frequency attached by ClinVar (database versions not stated): gnomAD exomes below 0.00001.

Submission:

Labcorp Genetics (formerly Invitae), Labcorp
Classification: Uncertain significance for Dilated cardiomyopathy 1O. Last evaluated: 2021-04-19. Review status: criteria provided, single submitter. Criteria: Invitae Variant Classification Sherloc (09022015). Collection method: clinical testing. Allele origin: germline.
Comment: In summary, the available evidence is currently insufficient to determine the role of this variant in disease. Therefore, it has been classified as a Variant of Uncertain Significance. Nucleotide substitutions within the consensus splice site are a relatively common cause of aberrant splicing (PMID: 17576681, 9536098). Algorithms developed to predict the effect of sequence changes on RNA splicing suggest that this variant may disrupt the consensus splice site, but this prediction has not been confirmed by published transcriptional studies. This variant has not been reported in the literature in individuals with ABCC9-related conditions. This variant is not present in population databases (ExAC no frequency). This sequence change falls in intron 31 of the ABCC9 gene. It does not directly change the encoded amino acid sequence of the ABCC9 protein. It affects a nucleotide within the consensus splice site of the intron.

Literature cited by the submitters: PubMed 17576681; PubMed 9536098.